The following is an entry in ClinVar:

NM_004752.4(GCM2):c.157G>A (p.Asp53Asn)

Gene: GCM2 (GCM transcription factor 2; minus strand). Cytogenetic location: 6p24.2.
Variant type: single nucleotide variant.
Coding change: c.157G>A on transcript NM_004752.4 (MANE Select); coding-DNA position 157, G replaced by A.
Protein change: p.Asp53Asn; replaces aspartic acid 53 with asparagine.
Molecular consequence: missense variant.
Genome position (GRCh38, 1-based): chr6:10,877,326, C>T on the plus strand (G>A on the coding strand, the complement: GCM2 is on the minus strand). VCF-style: chr6-10877326-C-T. GRCh37 (hg19) VCF-style: chr6-10877559-C-T.
Other names: short protein forms D53N.
Identifiers: ClinVar variation 723832 (VCV000723832.17), dbSNP rs11963186, ClinGen allele CA3634147.
Genomic context (GRCh38, chr6:10,877,326, plus strand): 5'-TGTGGTTGTTGGTGTTGCGCATGGCCCAGCCGCTCAGGTGACGCTGTGCCTTCTTCTCAT[C>T]GCTGCTGTAGATGAAGCGCACATAGCCGTCAGGCCACTCTCGGAATTGGTCAAAGAGGGC-3'
Protein context (NP_004743.1, residues 43-63): DGYVRFIYSS[Asp53Asn]EKKAQRHLSG

ClinVar aggregate classification (germline): Benign/Likely benign. Review status: criteria provided, multiple submitters, no conflicts (2 of 4 stars). 5 submissions from 5 submitters: Benign (1); Likely benign (3). 1 of the submissions does not count toward it. Last evaluated 2026-01-27.

Conditions:
Familial hypoparathyroidism. Also called: Familial isolated hypoparathyroidism. Identifiers: Orphanet 2238, MedGen C1832648, MONDO:0016390.
GCM2-related disorder. Also called: GCM2-related condition.

Allele frequency attached by ClinVar (database versions not stated): gnomAD exomes 0.00043 and 0.00066; ExAC 0.00074; TOPMed 0.00213; ESP Exome Variant Server 0.00215; 1000 Genomes Project 0.00240; gnomAD 0.00245; 1000 Genomes Project 30x 0.00281.
gnomAD v4.1: 986 of 1,614,156 alleles (0.061%); highest among the groups gnomAD compares: African/African-American, 0.72%; 7 homozygotes.

Submissions (5):

Labcorp Genetics (formerly Invitae), Labcorp
Classification: Likely benign. Last evaluated: 2026-01-27. Review status: criteria provided, single submitter. Criteria: Invitae Variant Classification Sherloc (09022015). Collection method: clinical testing. Allele origin: germline.

Blueprint Genetics
Classification: Likely benign. Last evaluated: 2024-11-13. Review status: criteria provided, single submitter. Criteria: ACMG Guidelines, 2015. Collection method: clinical testing. Allele origin: germline.

Genetic Services Laboratory, University of Chicago
Classification: Benign. Last evaluated: 2019-10-28. Review status: criteria provided, single submitter. Criteria: ACMG Guidelines, 2015. Collection method: clinical testing. Allele origin: germline. Affected: no.

Illumina Laboratory Services, Illumina
Classification: Likely benign for Hypoparathyroidism, familial isolated 1. Last evaluated: 2018-01-12. Review status: criteria provided, single submitter. Criteria: ICSL Variant Classification Criteria 13 December 2019. Collection method: clinical testing. Allele origin: germline.
Comment: This variant was observed in the ICSL laboratory as part of a predisposition screen in an ostensibly healthy population. It had not been previously curated by ICSL or reported in the Human Gene Mutation Database (HGMD: prior to June 1st, 2018), and was therefore a candidate for classification through an automated scoring system. Utilizing variant allele frequency, disease prevalence and penetrance estimates, and inheritance mode, an automated score was calculated to assess if this variant is too frequent to cause the disease. Based on the score and internal cut-off values, a variant classified as likely benign is not then subjected to further curation. The score for this variant resulted in a classification of likely benign for this disease.

PreventionGenetics, part of Exact Sciences
Classification: Benign for GCM2-related condition. Last evaluated: 2019-08-29. Review status: no assertion criteria provided. Collection method: clinical testing. Allele origin: germline. Not counted in ClinVar's aggregate classification.
Comment: This variant is classified as benign based on ACMG/AMP sequence variant interpretation guidelines (Richards et al. 2015 PMID: 25741868, with internal and published modifications).